The following is an entry in ClinVar:

ClinVar aggregate classification (germline): Likely benign. Review status: criteria provided, multiple submitters, no conflicts (2 of 4 stars). 3 submissions from 3 submitters: Likely benign (2). 1 of the submissions does not count toward it. Last evaluated 2026-01-26.

Conditions:
Finnish congenital nephrotic syndrome (NPHS1). Also called: NEPHROTIC SYNDROME, TYPE 1. Identifiers: Orphanet 839, MedGen C0403399, MONDO:0009732, OMIM 256300.
NPHS1-related disorder. Also called: NPHS1-related condition.

Allele frequency attached by ClinVar (database versions not stated): TOPMed 0.00003; ExAC 0.00004; 1000 Genomes Project 30x 0.00047; 1000 Genomes Project 0.00060.
gnomAD v4.1: 40 of 1,613,578 alleles (0.0025%); highest among the groups gnomAD compares: East Asian, 0.049%; no homozygotes.

Submissions (3):

Labcorp Genetics (formerly Invitae), Labcorp
Classification: Likely benign. Last evaluated: 2026-01-26. Review status: criteria provided, single submitter. Criteria: Invitae Variant Classification Sherloc (09022015). Collection method: clinical testing. Allele origin: germline.

Fulgent Genetics
Classification: Likely benign for Finnish congenital nephrotic syndrome. Last evaluated: 2021-12-29. Review status: criteria provided, single submitter. Criteria: ACMG Guidelines, 2015. Collection method: clinical testing. Allele origin: unknown.

PreventionGenetics, part of Exact Sciences
Classification: Likely benign for NPHS1-related condition. Last evaluated: 2022-12-21. Review status: no assertion criteria provided. Collection method: clinical testing. Allele origin: germline. Not counted in ClinVar's aggregate classification.
Comment: This variant is classified as likely benign based on ACMG/AMP sequence variant interpretation guidelines (Richards et al. 2015 PMID: 25741868, with internal and published modifications).

NM_004646.4(NPHS1):c.312C>T (p.Ser104=)

Gene: NPHS1 (NPHS1 adhesion molecule, nephrin; minus strand). Cytogenetic location: 19q13.12.
Variant type: single nucleotide variant.
Coding change: c.312C>T on transcript NM_004646.4 (MANE Select); coding-DNA position 312, C replaced by T.
Protein change: p.Ser104=; no amino-acid change (serine 104 retained).
Molecular consequence: synonymous variant.
Genome position (GRCh38, 1-based): chr19:35,851,347, G>A on the plus strand (C>T on the coding strand, the complement: NPHS1 is on the minus strand). VCF-style: chr19-35851347-G-A. GRCh37 (hg19) VCF-style: chr19-36342249-G-A.
Other names: c.312C>T (NM_004646.3).
Identifiers: ClinVar variation 1089761 (VCV001089761.12), dbSNP rs114540811, ClinGen allele CA9390852.